The following is an entry in ClinVar:

NM_004366.6(CLCN2):c.2178C>G (p.Ser726Arg)

Gene: CLCN2 (chloride voltage-gated channel 2; minus strand). Cytogenetic location: 3q27.1.
Variant type: single nucleotide variant.
Coding change: c.2178C>G on transcript NM_004366.6 (MANE Select); coding-DNA position 2178, C replaced by G.
Protein change: p.Ser726Arg; replaces serine 726 with arginine.
Molecular consequence: missense variant.
Genome position (GRCh38, 1-based): chr3:184,352,776, G>C on the plus strand (C>G on the coding strand, the complement: CLCN2 is on the minus strand). VCF-style: chr3-184352776-G-C. GRCh37 (hg19) VCF-style: chr3-184070564-G-C.
Other names: c.2127C>G, p.Ser709Arg (NM_001171087.3); c.2046C>G, p.Ser682Arg (NM_001171088.3); c.2178C>G, p.Ser726Arg (NM_001171089.3); short protein forms S726R, S709R, S682R.
Identifiers: ClinVar variation 1977366 (VCV001977366.6), dbSNP rs1439179594, ClinGen allele CA355447783.

ClinVar aggregate classification (germline): Uncertain significance. Review status: criteria provided, multiple submitters, no conflicts (2 of 4 stars). 2 submissions from 2 submitters: Uncertain significance (2). Last evaluated 2024-02-01.

Conditions:
Epilepsy, idiopathic generalized, susceptibility to, 11 (EIG11). Identifiers: Orphanet 307, MedGen C2750893, MONDO:0011875, OMIM 607628.
Familial hyperaldosteronism type II. Also called: FH II. Identifiers: Orphanet 404, MedGen C1854107, MONDO:0011576, OMIM 605635.
Leukoencephalopathy with mild cerebellar ataxia and white matter edema (LKPAT). Also called: Leukoencephalopathy with ataxia; Brain white matter edema; Leukoencephalopathy with white matter edema; CLCN2-Related Leukoencephalopathy. Identifiers: Orphanet 363540, MedGen C4554120, MONDO:0014292, OMIM 615651. Disease mechanism: loss of function.

gnomAD v4.1: 6 of 1,613,208 alleles (0.00037%); highest among the groups gnomAD compares: African/African-American, 0.0027%; no homozygotes.

Submissions (2):

Fulgent Genetics
Classification: Uncertain significance for Familial hyperaldosteronism type II; Epilepsy, idiopathic generalized, susceptibility to, 11; Leukoencephalopathy with mild cerebellar ataxia and white matter edema. Last evaluated: 2024-02-01. Review status: criteria provided, single submitter. Criteria: ACMG Guidelines, 2015. Collection method: clinical testing. Allele origin: germline.

Labcorp Genetics (formerly Invitae), Labcorp
Classification: Uncertain significance. Last evaluated: 2022-07-12. Review status: criteria provided, single submitter. Criteria: Invitae Variant Classification Sherloc (09022015). Collection method: clinical testing. Allele origin: germline.
Comment: Advanced modeling of protein sequence and biophysical properties (such as structural, functional, and spatial information, amino acid conservation, physicochemical variation, residue mobility, and thermodynamic stability) performed at Invitae indicates that this missense variant is not expected to disrupt CLCN2 protein function. This sequence change replaces serine, which is neutral and polar, with arginine, which is basic and polar, at codon 726 of the CLCN2 protein (p.Ser726Arg). This variant is present in population databases (no rsID available, gnomAD 0.006%). This variant has not been reported in the literature in individuals affected with CLCN2-related conditions. In summary, the available evidence is currently insufficient to determine the role of this variant in disease. Therefore, it has been classified as a Variant of Uncertain Significance.